The following is an entry in ClinVar:

ClinVar aggregate classification (germline): Uncertain significance (1 of 4 stars; one submission).

Conditions:
Glaucoma 3, primary congenital, D. Identifiers: Orphanet 98976, MedGen C2751316, MONDO:0013122, OMIM 613086.
Microspherophakia and/or megalocornea, with ectopia lentis and with or without secondary glaucoma (MSPKA). Identifiers: Orphanet 238763, MedGen C3538951, MONDO:0009633, OMIM 251750.
Weill-Marchesani syndrome 3 (WMS3). Also called: Weill-Marchesani syndrome 3, recessive; LTBP2-Related Weill-Marchesani Syndrome. Identifiers: Orphanet 3449, MedGen C3553785, MONDO:0013899, OMIM 614819.

Allele frequency attached by ClinVar (database versions not stated): TOPMed below 0.00001; ExAC 0.00001.

Submission:

Center for Genomics, Ann and Robert H. Lurie Children's Hospital of Chicago
Classification: Uncertain significance for Glaucoma 3, primary congenital, D; Microspherophakia and/or megalocornea, with ectopia lentis and with or without secondary glaucoma; Weill-Marchesani syndrome 3. Review status: criteria provided, single submitter. Criteria: ACMG Guidelines, 2015. Collection method: clinical testing. Allele origin: germline.
Comment: This variant has not been reported in the literature and is not present in large control databases. Evolutionary conservation and computational predictive tools are unclear for this variant. In summary, data on this variant is insufficient for disease classification. Therefore, the clinical significance of this variant is uncertain.

NM_000428.3(LTBP2):c.3940G>A (p.Gly1314Ser)

Gene: LTBP2 (latent transforming growth factor beta binding protein 2; minus strand). Cytogenetic location: 14q24.3.
Variant type: single nucleotide variant.
Coding change: c.3940G>A on transcript NM_000428.3 (MANE Select); coding-DNA position 3940, G replaced by A.
Protein change: p.Gly1314Ser; replaces glycine 1314 with serine.
Molecular consequence: missense variant.
Genome position (GRCh38, 1-based): chr14:74,506,791, C>T on the plus strand (G>A on the coding strand, the complement: LTBP2 is on the minus strand). VCF-style: chr14-74506791-C-T. GRCh37 (hg19) VCF-style: chr14-74973494-C-T.
Other names: short protein forms G1314S.
Identifiers: ClinVar variation 2500056 (VCV002500056.2), dbSNP rs761886612, ClinGen allele CA7268935.
Genomic context (GRCh38, chr14:74,506,791, plus strand): 5'-AGCCCTGGTCACAGAGGCAGCGGAAGGAGCCATCAGTGTTGTCACAGAAGCCGTGGCTGC[C>T]ACACATGGTGTCGTTGGCGCACTCGTCTATGTCTGTGGGACAGTGGGAACCAGGATAGAG-3'
Protein context (NP_000419.1, residues 1304-1324): IDECANDTMC[Gly1314Ser]SHGFCDNTDG